The following is an entry in ClinVar:

ClinVar aggregate classification (germline): Likely benign. Review status: criteria provided, multiple submitters, no conflicts (2 of 4 stars). 2 submissions from 2 submitters: Likely benign (2). Last evaluated 2026-03-16.

Conditions:
Hereditary sensory and autonomic neuropathy type 7. Also called: HSAN VII; Neuropathy, hereditary sensory and autonomic, type VII. Identifiers: Orphanet 391397, MedGen C3809882, MONDO:0014244, OMIM 615548.
Familial episodic pain syndrome with predominantly lower limb involvement. Also called: Episodic pain syndrome, familial, 3. Identifiers: Orphanet 391384, Orphanet 391392, MedGen C3809899, MONDO:0014247, OMIM 615552.
SCN11A-related disorder. Also called: SCN11A-related condition.

gnomAD v4.1: 2 of 1,613,902 alleles (0.00012%); highest among the groups gnomAD compares: African/African-American, 0.0027%; no homozygotes.

Submissions (2):

PreventionGenetics, part of Exact Sciences
Classification: Likely benign for SCN11A-related condition. Last evaluated: 2026-03-16. Review status: criteria provided, single submitter. Criteria: ACMG Guidelines, 2015. Collection method: clinical testing. Allele origin: germline.
Comment: This variant is classified as likely benign based on ACMG/AMP sequence variant interpretation guidelines (Richards et al. 2015 PMID: 25741868, with internal and published modifications).

Labcorp Genetics (formerly Invitae), Labcorp
Classification: Likely benign for Familial episodic pain syndrome with predominantly lower limb involvement; Hereditary sensory and autonomic neuropathy type 7. Last evaluated: 2025-06-01. Review status: criteria provided, single submitter. Criteria: Invitae Variant Classification Sherloc (09022015). Collection method: clinical testing. Allele origin: germline.

NM_001349253.2(SCN11A):c.2067A>G (p.Thr689=)

Gene: SCN11A (sodium voltage-gated channel alpha subunit 11; minus strand). Cytogenetic location: 3p22.2.
Variant type: single nucleotide variant.
Coding change: c.2067A>G on transcript NM_001349253.2 (MANE Select); coding-DNA position 2067, A replaced by G.
Protein change: p.Thr689=; no amino-acid change (threonine 689 retained).
Molecular consequence: synonymous variant.
Genome position (GRCh38, 1-based): chr3:38,897,181, T>C on the plus strand (A>G on the coding strand, the complement: SCN11A is on the minus strand). VCF-style: chr3-38897181-T-C. GRCh37 (hg19) VCF-style: chr3-38938672-T-C.
Other names: c.2067A>G (NM_014139.2); c.2067A>G, p.Thr689= (NM_014139.3).
Identifiers: ClinVar variation 4788930 (VCV004788930.2).